The following is an entry in ClinVar:

ClinVar aggregate classification (germline): Likely pathogenic (1 of 4 stars; one submission).

Conditions:
Seckel syndrome 5 (SCKL5). Identifiers: Orphanet 808, MedGen C3151187, MONDO:0013443, OMIM 613823.

Submission:

Centre for Mendelian Genomics, University Medical Centre Ljubljana
Classification: Likely pathogenic for Seckel syndrome 5. Last evaluated: 2020-01-30. Review status: criteria provided, single submitter. Criteria: ACMG Guidelines, 2015. Collection method: clinical testing. Allele origin: unknown. Affected: yes.
Comment: This variant was classified as: Likely pathogenic. The following ACMG criteria were applied in classifying this variant: PVS1,PM2.

NM_001194998.2(CEP152):c.528G>A (p.Trp176Ter)

Gene: CEP152 (centrosomal protein 152; minus strand). Cytogenetic location: 15q21.1.
Variant type: single nucleotide variant.
Coding change: c.528G>A on transcript NM_001194998.2 (MANE Select); coding-DNA position 528, G replaced by A.
Protein change: p.Trp176Ter; replaces tryptophan 176 with a stop codon.
Molecular consequence: nonsense.
Genome position (GRCh38, 1-based): chr15:48,797,313, C>T on the plus strand (G>A on the coding strand, the complement: CEP152 is on the minus strand). VCF-style: chr15-48797313-C-T. GRCh37 (hg19) VCF-style: chr15-49089510-C-T.
Other names: c.528G>A, p.Trp176Ter (NM_014985.4); short protein forms W176*.
Identifiers: ClinVar variation 930905 (VCV000930905.3), dbSNP rs1897359016, ClinGen allele CA392357600.